The following is an entry in ClinVar:

ClinVar aggregate classification (germline): Uncertain significance. Review status: criteria provided, multiple submitters, no conflicts (2 of 4 stars). 2 submissions from 2 submitters: Uncertain significance (2). Last evaluated 2022-08-22.

Conditions:
Beta-D-mannosidosis (MANSB). Also called: Beta-Mannosidosis; MANNOSIDOSIS, BETA A, LYSOSOMAL; BETA-MANNOSIDASE DEFICIENCY; LYSOSOMAL BETA-MANNOSIDASE DEFICIENCY. Identifiers: Orphanet 118, MedGen C4048196, MONDO:0009562, OMIM 248510.

gnomAD v4.1: 1 of 1,613,282 alleles (0.000062%); no homozygotes.

Submissions (2):

Labcorp Genetics (formerly Invitae), Labcorp
Classification: Uncertain significance. Last evaluated: 2022-08-22. Review status: criteria provided, single submitter. Criteria: Invitae Variant Classification Sherloc (09022015). Collection method: clinical testing. Allele origin: germline.
Comment: In summary, the available evidence is currently insufficient to determine the role of this variant in disease. Therefore, it has been classified as a Variant of Uncertain Significance. Algorithms developed to predict the effect of missense changes on protein structure and function are either unavailable or do not agree on the potential impact of this missense change (SIFT: "Tolerated"; PolyPhen-2: "Probably Damaging"; Align-GVGD: "Class C0"). ClinVar contains an entry for this variant (Variation ID: 1064899). This variant has not been reported in the literature in individuals affected with ADGRV1-related conditions. This variant is not present in population databases (gnomAD no frequency). This sequence change replaces glycine, which is neutral and non-polar, with valine, which is neutral and non-polar, at codon 3810 of the ADGRV1 protein (p.Gly3810Val).

Department of Otolaryngology – Head & Neck Surgery, Cochlear Implant Center
Classification: Uncertain significance for Beta-D-mannosidosis. Last evaluated: 2021-04-12. Review status: criteria provided, single submitter. Criteria: ClinGen HL ACMG Specifications v1. Collection method: clinical testing. Allele origin: germline. Affected: yes.
Comment: PM2_Moderate, PP3_Supporting

NM_032119.4(ADGRV1):c.11429G>T (p.Gly3810Val)

Gene: ADGRV1 (adhesion G protein-coupled receptor V1; plus strand). Cytogenetic location: 5q14.3.
Variant type: single nucleotide variant.
Coding change: c.11429G>T on transcript NM_032119.4 (MANE Select); coding-DNA position 11429, G replaced by T.
Protein change: p.Gly3810Val; replaces glycine 3810 with valine.
Molecular consequence: missense variant. On other transcripts: non-coding transcript variant (1).
Genome position (GRCh38, 1-based): chr5:90,755,034, G>T. VCF-style: chr5-90755034-G-T. GRCh37 (hg19) VCF-style: chr5-90050851-G-T.
Other names: short protein forms G3810V.
Identifiers: ClinVar variation 1064899 (VCV001064899.11), dbSNP rs2149973288, ClinGen allele CA360366462.